The following is an entry in ClinVar:

NM_015135.3(NUP205):c.4043A>G (p.Gln1348Arg)

Gene: NUP205 (nucleoporin 205; plus strand). Cytogenetic location: 7q33.
Variant type: single nucleotide variant.
Coding change: c.4043A>G on transcript NM_015135.3 (MANE Select); coding-DNA position 4043, A replaced by G.
Protein change: p.Gln1348Arg; replaces glutamine 1348 with arginine.
Molecular consequence: missense variant.
Genome position (GRCh38, 1-based): chr7:135,619,502, A>G. VCF-style: chr7-135619502-A-G. GRCh37 (hg19) VCF-style: chr7-135304250-A-G.
Other names: c.2969A>G, p.Gln990Arg (NM_001329434.2); short protein forms Q1348R, Q990R.
Identifiers: ClinVar variation 4124043 (VCV004124043.1).
Genomic context (GRCh38, chr7:135,619,502, plus strand): 5'-CGCAAGAGTTAATGCCTGTGGTCGCCGGGGCAGTGTTCACACTGACTGCTCACCTAAGCC[A>G]GGCCGTCCTCACTGAACAGAAGGAAACATCAGTCTTGGGACCAGCAGAGGCCCATTACGC-3'
Protein context (NP_055950.2, residues 1338-1358): AVFTLTAHLS[Gln1348Arg]AVLTEQKETS

ClinVar aggregate classification (germline): Uncertain significance (1 of 4 stars; one submission).

gnomAD v4.1: 1 of 1,614,116 alleles (0.000062%); highest among the groups gnomAD compares: Non-Finnish European, 0.000085%; no homozygotes.

Submission:

Ambry Genetics
Classification: Uncertain significance. Last evaluated: 2025-06-17. Review status: criteria provided, single submitter. Criteria: Ambry Variant Classification Scheme 2023. Collection method: clinical testing. Allele origin: germline.
Comment: Does not currently meet published gene-disease clinical validity criteria Based on insufficient or conflicting evidence, the clinical significance of this alteration remains unclear.

Literature cited by the submitters: PubMed 28106320.